The following is an entry in ClinVar:

ClinVar aggregate classification (germline): Uncertain significance (1 of 4 stars; one submission).

Conditions:
Nephronophthisis. Also called: Juvenile Nephronophthisis. Identifiers: Orphanet 655, MedGen C0687120, MONDO:0019005, HP:0000090.

Allele frequency attached by ClinVar (database versions not stated): TOPMed 0.00001; gnomAD exomes below 0.00001; ExAC 0.00001.
gnomAD v4.1: 2 of 1,609,642 alleles (0.00012%); highest among the groups gnomAD compares: East Asian, 0.0045%; no homozygotes.

Submission:

Labcorp Genetics (formerly Invitae), Labcorp
Classification: Uncertain significance for Nephronophthisis. Last evaluated: 2021-09-24. Review status: criteria provided, single submitter. Criteria: Invitae Variant Classification Sherloc (09022015). Collection method: clinical testing. Allele origin: germline.
Comment: This sequence change replaces leucine with proline at codon 466 of the NPHP1 protein (p.Leu466Pro). The leucine residue is moderately conserved and there is a moderate physicochemical difference between leucine and proline. This variant is present in population databases (rs765450176, ExAC 0.01%). This variant has not been reported in the literature in individuals with NPHP1-related conditions. Algorithms developed to predict the effect of missense changes on protein structure and function (SIFT, PolyPhen-2, Align-GVGD) all suggest that this variant is likely to be disruptive, but these predictions have not been confirmed by published functional studies and their clinical significance is uncertain. In summary, the available evidence is currently insufficient to determine the role of this variant in disease. Therefore, it has been classified as a Variant of Uncertain Significance.

NM_001128178.3(NPHP1):c.1229T>C (p.Leu410Pro)

Gene: NPHP1 (nephrocystin 1; minus strand). Cytogenetic location: 2q13.
Variant type: single nucleotide variant.
Coding change: c.1229T>C on transcript NM_001128178.3 (MANE Select); coding-DNA position 1229, T replaced by C.
Protein change: p.Leu410Pro; replaces leucine 410 with proline.
Molecular consequence: missense variant.
Genome position (GRCh38, 1-based): chr2:110,147,956, A>G on the plus strand (T>C on the coding strand, the complement: NPHP1 is on the minus strand). VCF-style: chr2-110147956-A-G. GRCh37 (hg19) VCF-style: chr2-110905533-A-G.
Other names: c.1397T>C, p.Leu466Pro (NM_000272.5); c.1040T>C, p.Leu347Pro (NM_001128179.3); c.1226T>C, p.Leu409Pro (NM_001374256.1); c.1229T>C, p.Leu410Pro (NM_001374257.1); c.1394T>C, p.Leu465Pro (NM_207181.4); short protein forms L347P, L410P, L466P, L465P, L409P.
Identifiers: ClinVar variation 1525040 (VCV001525040.5), dbSNP rs765450176, ClinGen allele CA1827094.